The following is an entry in ClinVar:

ClinVar aggregate classification (germline): Uncertain significance (1 of 4 stars; one submission).

Conditions:
Hypertrophic cardiomyopathy. Also called: HYPERTROPHIC MYOCARDIOPATHY. Identifiers: Orphanet 217569, MedGen C0007194, MeSH D002312, MONDO:0005045, HP:0001639.

Allele frequency attached by ClinVar (database versions not stated): gnomAD exomes below 0.00001; ExAC 0.00001.
gnomAD v4.1: 2 of 1,611,884 alleles (0.00012%); highest among the groups gnomAD compares: East Asian, 0.0045%; no homozygotes.

Submission:

All of Us Research Program, National Institutes of Health
Classification: Uncertain significance for Hypertrophic cardiomyopathy. Last evaluated: 2023-06-08. Review status: criteria provided, single submitter. Criteria: ACMG Guidelines, 2015. Collection method: clinical testing. Allele origin: germline. Inheritance: Autosomal dominant inheritance. Observed: 1 variant allele, 1 heterozygote.
Comment: This missense variant replaces valine with alanine at codon 146 of the MYL2 protein. Computational prediction suggests that this variant may not impact protein structure and function (internally defined REVEL score threshold <= 0.5, PMID: 27666373). To our knowledge, functional studies have not been reported for this variant. This variant has not been reported in individuals affected with MYL2-related disorders in the literature. This variant has been identified in 2/249044 chromosomes in the general population by the Genome Aggregation Database (gnomAD). The available evidence is insufficient to determine the role of this variant in disease conclusively. Therefore, this variant is classified as a Variant of Uncertain Significance.

This study involves interpretation of variants in research participants for the purpose of population health screening. Participant phenotype was not available at the time of variant classification. Additional details can be found in publication PMID: 35346344, PMCID: PMC8962531

NM_000432.4(MYL2):c.437T>C (p.Val146Ala)

Gene: MYL2 (myosin light chain 2; minus strand). Cytogenetic location: 12q24.11.
Variant type: single nucleotide variant.
Coding change: c.437T>C on transcript NM_000432.4 (MANE Select); coding-DNA position 437, T replaced by C.
Protein change: p.Val146Ala; replaces valine 146 with alanine.
Molecular consequence: missense variant.
Genome position (GRCh38, 1-based): chr12:110,911,141, A>G on the plus strand (T>C on the coding strand, the complement: MYL2 is on the minus strand). VCF-style: chr12-110911141-A-G. GRCh37 (hg19) VCF-style: chr12-111348945-A-G.
Other names: c.395T>C, p.Val132Ala (NM_001406745.1, NM_001406746.1); c.380T>C, p.Val127Ala (NM_001406916.1); short protein forms V127A, V132A, V146A.
Identifiers: ClinVar variation 3071523 (VCV003071523.1), dbSNP rs751166975, ClinGen allele CA043127.